The following is an entry in ClinVar:

NM_003072.5(SMARCA4):c.940_941delinsTT (p.Ala314Leu)

Gene: SMARCA4 (SWI/SNF related BAF chromatin remodeling complex subunit ATPase 4; plus strand). Cytogenetic location: 19p13.2.
Variant type: Indel.
Coding change: c.940_941delinsTT on transcript NM_003072.5 (MANE Select); coding-DNA positions 940 to 941, GC replaced by TT.
Protein change: p.Ala314Leu; replaces alanine 314 with leucine.
Molecular consequence: missense variant. On other transcripts: non-coding transcript variant (1).
Genome position (GRCh38, 1-based): chr19:10,987,746-10,987,747, GC replaced by TT. VCF-style: chr19-10987746-GC-TT. GRCh37 (hg19) VCF-style: chr19-11098422-GC-TT.
Other names: c.940_941delinsTT, p.Ala314Leu (NM_001128844.3, NM_001128845.2, NM_001128846.2 and 5 more transcripts); short protein forms A314L.
Identifiers: ClinVar variation 1482729 (VCV001482729.6), dbSNP rs2145816680, ClinGen allele CA2573155573.

ClinVar aggregate classification (germline): Uncertain significance (1 of 4 stars; one submission).

Conditions:
Rhabdoid tumor predisposition syndrome 2 (RTPS2). Identifiers: Orphanet 231108, Orphanet 69077, MedGen C2750074, MONDO:0013224, OMIM 613325.

Submission:

Labcorp Genetics (formerly Invitae), Labcorp
Classification: Uncertain significance for Rhabdoid tumor predisposition syndrome 2. Last evaluated: 2021-02-03. Review status: criteria provided, single submitter. Criteria: Invitae Variant Classification Sherloc (09022015). Collection method: clinical testing. Allele origin: germline.
Comment: Algorithms developed to predict the effect of missense changes on protein structure and function are either unavailable or do not agree on the potential impact of this missense change (SIFT: "Not Available"; PolyPhen-2: "Possibly Damaging"; Align-GVGD: "Not Available"). This variant has not been reported in the literature in individuals with SMARCA4-related conditions. The frequency data for this variant in the population databases is not available, as this variant may be reported as separate entries in the ExAC database. This sequence change replaces alanine with leucine at codon 314 of the SMARCA4 protein (p.Ala314Leu). The alanine residue is moderately conserved and there is a moderate physicochemical difference between alanine and leucine. In summary, the available evidence is currently insufficient to determine the role of this variant in disease. Therefore, it has been classified as a Variant of Uncertain Significance.